The following is an entry in ClinVar:

ClinVar aggregate classification (germline): Uncertain significance. Review status: criteria provided, multiple submitters, no conflicts (2 of 4 stars). 2 submissions from 2 submitters: Uncertain significance (2). Last evaluated 2022-07-05.

Conditions:
Inborn genetic diseases. Identifiers: MedGen C0950123, MeSH D030342.

Allele frequency attached by ClinVar (database versions not stated): gnomAD 0.00001; gnomAD exomes 0.00001 and 0.00002; TOPMed 0.00001; ExAC 0.00003.

Submissions (2):

Labcorp Genetics (formerly Invitae), Labcorp
Classification: Uncertain significance. Last evaluated: 2022-07-05. Review status: criteria provided, single submitter. Criteria: Invitae Variant Classification Sherloc (09022015). Collection method: clinical testing. Allele origin: germline.
Comment: This variant is present in population databases (rs778205664, gnomAD 0.02%). This variant has not been reported in the literature in individuals affected with GZF1-related conditions. ClinVar contains an entry for this variant (Variation ID: 1505006). Algorithms developed to predict the effect of missense changes on protein structure and function output the following: SIFT: "Not Available"; PolyPhen-2: "Benign"; Align-GVGD: "Not Available". The asparagine amino acid residue is found in multiple mammalian species, which suggests that this missense change does not adversely affect protein function. In summary, the available evidence is currently insufficient to determine the role of this variant in disease. Therefore, it has been classified as a Variant of Uncertain Significance. This sequence change replaces aspartic acid with asparagine at codon 257 of the GZF1 protein (p.Asp257Asn). The aspartic acid residue is weakly conserved and there is a small physicochemical difference between aspartic acid and asparagine.

Ambry Genetics
Classification: Uncertain significance for Inborn genetic diseases. Last evaluated: 2021-12-06. Review status: criteria provided, single submitter. Criteria: Ambry Variant Classification Scheme 2023. Collection method: clinical testing. Allele origin: germline.

NM_022482.5(GZF1):c.769G>A (p.Asp257Asn)

Gene: GZF1 (GDNF inducible zinc finger protein 1; plus strand). Cytogenetic location: 20p11.21.
Variant type: single nucleotide variant.
Coding change: c.769G>A on transcript NM_022482.5 (MANE Select); coding-DNA position 769, G replaced by A.
Protein change: p.Asp257Asn; replaces aspartic acid 257 with asparagine.
Molecular consequence: missense variant.
Genome position (GRCh38, 1-based): chr20:23,365,152, G>A. VCF-style: chr20-23365152-G-A. GRCh37 (hg19) VCF-style: chr20-23345789-G-A.
Other names: c.769G>A, p.Asp257Asn (NM_001317012.2, NM_001317019.1); c.769G>A (NM_022482.3); short protein forms D257N.
Identifiers: ClinVar variation 1505006 (VCV001505006.9), dbSNP rs778205664, ClinGen allele CA9788564.